The following is an entry in ClinVar:

ClinVar aggregate classification (germline): Uncertain significance (1 of 4 stars; one submission).

Allele frequency attached by ClinVar (database versions not stated): ExAC 0.00001.
gnomAD v4.1: 5 of 1,614,174 alleles (0.00031%); highest among the groups gnomAD compares: Non-Finnish European, 0.00042%; no homozygotes.

Submission:

Labcorp Genetics (formerly Invitae), Labcorp
Classification: Uncertain significance. Last evaluated: 2025-08-20. Review status: criteria provided, single submitter. Criteria: Invitae Variant Classification Sherloc (09022015). Collection method: clinical testing. Allele origin: germline.
Comment: This sequence change replaces glutamine, which is neutral and polar, with histidine, which is basic and polar, at codon 971 of the MYO5B protein (p.Gln971His). This variant is present in population databases (rs779855968, gnomAD 0.002%). This variant has not been reported in the literature in individuals affected with MYO5B-related conditions. ClinVar contains an entry for this variant (Variation ID: 1910594). Invitae Evidence Modeling of protein sequence and biophysical properties (such as structural, functional, and spatial information, amino acid conservation, physicochemical variation, residue mobility, and thermodynamic stability) indicates that this missense variant is not expected to disrupt MYO5B protein function with a negative predictive value of 80%. In summary, the available evidence is currently insufficient to determine the role of this variant in disease. Therefore, it has been classified as a Variant of Uncertain Significance.

NM_001080467.3(MYO5B):c.2913G>C (p.Gln971His)

Gene: MYO5B (myosin VB; minus strand). Cytogenetic location: 18q21.1.
Variant type: single nucleotide variant.
Coding change: c.2913G>C on transcript NM_001080467.3 (MANE Select); coding-DNA position 2913, G replaced by C.
Protein change: p.Gln971His; replaces glutamine 971 with histidine.
Molecular consequence: missense variant.
Genome position (GRCh38, 1-based): chr18:49,895,073, C>G on the plus strand (G>C on the coding strand, the complement: MYO5B is on the minus strand). VCF-style: chr18-49895073-C-G. GRCh37 (hg19) VCF-style: chr18-47421443-C-G.
Other names: short protein forms Q971H.
Identifiers: ClinVar variation 1910594 (VCV001910594.4), dbSNP rs779855968, ClinGen allele CA8960899.